The following is an entry in ClinVar:

NM_020738.4(KIDINS220):c.3966G>A (p.Thr1322=)

Gene: KIDINS220 (kinase D interacting substrate 220; minus strand). Cytogenetic location: 2p25.1.
Variant type: single nucleotide variant.
Coding change: c.3966G>A on transcript NM_020738.4 (MANE Select); coding-DNA position 3966, G replaced by A.
Protein change: p.Thr1322=; no amino-acid change (threonine 1322 retained).
Molecular consequence: synonymous variant. On other transcripts: non-coding transcript variant (2).
Genome position (GRCh38, 1-based): chr2:8,733,531, C>T on the plus strand (G>A on the coding strand, the complement: KIDINS220 is on the minus strand). VCF-style: chr2-8733531-C-T. GRCh37 (hg19) VCF-style: chr2-8873661-C-T.
Other names: c.3969G>A, p.Thr1323= (NM_001348729.2); c.3912G>A, p.Thr1304= (NM_001348731.2); c.3909G>A, p.Thr1303= (NM_001348732.2, NM_001348738.2); c.3798G>A, p.Thr1266= (NM_001348734.2, NM_001348739.2, NM_001348740.2); c.3795G>A, p.Thr1265= (NM_001348735.2, NM_001348741.2, NM_001348742.2 and 1 more transcripts); c.3669G>A, p.Thr1223= (NM_001348736.2).
Identifiers: ClinVar variation 3061563 (VCV003061563.2), dbSNP rs371285385, ClinGen allele CA1519459.
Genomic context (GRCh38, chr2:8,733,531, plus strand): 5'-GGCACCTTCATCCAGGCCAAGCGTGTTCAGCTCTTCGAAGCTGAAGTTGAGTGTGTAGGG[C>T]GTCTGGCTGGAGAGCTCGGTGTGAGGCAGCTCGTTGTGGGAAGCGCGGCGAGCAGGCTCA-3'
Protein context (NP_065789.1, residues 1312-1332): ELPHTELSSQ[Thr1322=]PYTLNFSFEE

ClinVar aggregate classification (germline): Likely benign (0 of 4 stars; one submission).

Conditions:
KIDINS220-related disorder. Also called: KIDINS220-related condition.

gnomAD v4.1: 19 of 1,613,978 alleles (0.0012%); highest among the groups gnomAD compares: East Asian, 0.0089%; no homozygotes.

Submission:

PreventionGenetics, part of Exact Sciences
Classification: Likely benign for KIDINS220-related condition. Last evaluated: 2022-02-23. Review status: no assertion criteria provided. Collection method: clinical testing. Allele origin: germline.
Comment: This variant is classified as likely benign based on ACMG/AMP sequence variant interpretation guidelines (Richards et al. 2015 PMID: 25741868, with internal and published modifications).